The following is an entry in ClinVar:

NM_001267550.2(TTN):c.55549G>T (p.Glu18517Ter)

Genes: TTN-AS1 (TTN antisense RNA 1; plus strand), TTN (titin; minus strand). Cytogenetic location: 2q31.2.
Variant type: single nucleotide variant.
Coding change: c.55549G>T on transcript NM_001267550.2 (MANE Select); coding-DNA position 55549, G replaced by T.
Protein change: p.Glu18517Ter; replaces glutamic acid 18517 with a stop codon.
Molecular consequence: nonsense.
Genome position (GRCh38, 1-based): chr2:178,601,448, C>A on the plus strand (G>T on the coding strand, the complement: TTN is on the minus strand). VCF-style: chr2-178601448-C-A. GRCh37 (hg19) VCF-style: chr2-179466175-C-A.
Other names: c.50626G>T, p.Glu16876Ter (NM_001256850.1); c.28354G>T, p.Glu9452Ter (NM_003319.4); c.47845G>T, p.Glu15949Ter (NM_133378.4); c.28729G>T, p.Glu9577Ter (NM_133432.3); c.28930G>T, p.Glu9644Ter (NM_133437.4); short protein forms E15949*, E16876*, E18517*, E9452*, E9577*, E9644*.
Identifiers: ClinVar variation 3338349 (VCV003338349.1).

ClinVar aggregate classification (germline): Likely pathogenic (1 of 4 stars; one submission).

Conditions:
Primary dilated cardiomyopathy (DCM). Also called: Dilated Cardiomyopathy. Identifiers: Orphanet 217604, MedGen C0007193, MeSH D002311, MONDO:0005021, HP:0001644. Inheritance: Various modes of inheritance.

Submission:

Lildballe Lab, Aarhus University Hospital
Classification: Likely pathogenic for dilated cardiomyopathy. Last evaluated: 2024-03-01. Review status: criteria provided, single submitter. Criteria: ACMG Guidelines, 2015. Collection method: research. Allele origin: germline. Affected: yes.
Comment: PVS1(vs), PM2(sup)

Literature cited by the submitters: PubMed 25741928; PubMed 39481677.